The following is an entry in ClinVar:

NM_005534.4(IFNGR2):c.56C>T (p.Ala19Val)

Genes: IFNGR2 (interferon gamma receptor 2; plus strand), LOC119266102 (IFNGR2 promoter region; plus strand). Cytogenetic location: 21q22.11.
Variant type: single nucleotide variant.
Coding change: c.56C>T on transcript NM_005534.4 (MANE Select); coding-DNA position 56, C replaced by T.
Protein change: p.Ala19Val; replaces alanine 19 with valine.
Molecular consequence: missense variant.
Genome position (GRCh38, 1-based): chr21:33,403,599, C>T. VCF-style: chr21-33403599-C-T. GRCh37 (hg19) VCF-style: chr21-34775905-C-T.
Other names: c.56C>T, p.Ala19Val (NM_001329128.2); short protein forms A19V.
Identifiers: ClinVar variation 666003 (VCV000666003.7), dbSNP rs956427420, ClinGen allele CA320132058.

ClinVar aggregate classification (germline): Uncertain significance. Review status: criteria provided, multiple submitters, no conflicts (2 of 4 stars). 2 submissions from 2 submitters: Uncertain significance (2). Last evaluated 2025-08-09.

Conditions:
Inborn genetic diseases. Identifiers: MedGen C0950123, MeSH D030342.
Immunodeficiency 28 (IMD28). Also called: IFNGR2 DEFICIENCY. Identifiers: Orphanet 319547, Orphanet 319574, MedGen C4013947, MONDO:0013953, OMIM 614889.

Allele frequency attached by ClinVar (database versions not stated): gnomAD exomes below 0.00001; TOPMed below 0.00001; gnomAD 0.00001.

Submissions (2):

Ambry Genetics
Classification: Uncertain significance for Inborn genetic diseases. Last evaluated: 2025-08-09. Review status: criteria provided, single submitter. Criteria: Ambry Variant Classification Scheme 2023. Collection method: clinical testing. Allele origin: germline.

Labcorp Genetics (formerly Invitae), Labcorp
Classification: Uncertain significance for Immunodeficiency 28. Last evaluated: 2022-07-19. Review status: criteria provided, single submitter. Criteria: Invitae Variant Classification Sherloc (09022015). Collection method: clinical testing. Allele origin: germline.
Comment: This sequence change replaces alanine, which is neutral and non-polar, with valine, which is neutral and non-polar, at codon 19 of the IFNGR2 protein (p.Ala19Val). This variant is present in population databases (no rsID available, gnomAD 0.02%). This variant has not been reported in the literature in individuals affected with IFNGR2-related conditions. ClinVar contains an entry for this variant (Variation ID: 666003). Algorithms developed to predict the effect of missense changes on protein structure and function are either unavailable or do not agree on the potential impact of this missense change (SIFT: "Tolerated"; PolyPhen-2: "Not Available"; Align-GVGD: "Class C0"). In summary, the available evidence is currently insufficient to determine the role of this variant in disease. Therefore, it has been classified as a Variant of Uncertain Significance.